The following is an entry in ClinVar:

NM_003867.4(FGF17):c.72+6C>A

Gene: FGF17 (fibroblast growth factor 17; plus strand). Cytogenetic location: 8p21.3.
Variant type: single nucleotide variant.
Coding change: c.72+6C>A on transcript NM_003867.4 (MANE Select); 6 bases into the intron after coding-DNA position 72, C replaced by A.
Molecular consequence: intron variant.
Genome position (GRCh38, 1-based): chr8:22,043,187, C>A. VCF-style: chr8-22043187-C-A. GRCh37 (hg19) VCF-style: chr8-21900698-C-A.
Other names: c.72+6C>A (NM_001304478.1).
Identifiers: ClinVar variation 3694163 (VCV003694163.2).

ClinVar aggregate classification (germline): Uncertain significance (1 of 4 stars; one submission).

gnomAD v4.1: 2 of 1,613,066 alleles (0.00012%); highest among the groups gnomAD compares: Non-Finnish European, 0.00017%; no homozygotes.

Submission:

Labcorp Genetics (formerly Invitae), Labcorp
Classification: Uncertain significance. Last evaluated: 2025-01-28. Review status: criteria provided, single submitter. Criteria: Invitae Variant Classification Sherloc (09022015). Collection method: clinical testing. Allele origin: germline.
Comment: This sequence change falls in intron 2 of the FGF17 gene. It does not directly change the encoded amino acid sequence of the FGF17 protein. It affects a nucleotide within the consensus splice site. This variant is not present in population databases (gnomAD no frequency). This variant has not been reported in the literature in individuals affected with FGF17-related conditions. Variants that disrupt the consensus splice site are a relatively common cause of aberrant splicing (PMID: 17576681, 9536098). Algorithms developed to predict the effect of sequence changes on RNA splicing suggest that this variant is not likely to affect RNA splicing. In summary, the available evidence is currently insufficient to determine the role of this variant in disease. Therefore, it has been classified as a Variant of Uncertain Significance.

Literature cited by the submitters: PubMed 17576681; PubMed 9536098.